The following is an entry in ClinVar:

ClinVar aggregate classification (germline): Uncertain significance (1 of 4 stars; one submission).

Conditions:
Charcot-Marie-Tooth disease axonal type 2O. Also called: CHARCOT-MARIE-TOOTH NEUROPATHY, AXONAL, TYPE 2O; CHARCOT-MARIE-TOOTH DISEASE, AXONAL, AUTOSOMAL DOMINANT, TYPE 2O; Charcot-Marie-Tooth Neuropathy Type 2O; Charcot-Marie-Tooth disease, axonal, type 20. Identifiers: Orphanet 284232, MedGen C3280220, MONDO:0013644, OMIM 614228.

Submission:

Labcorp Genetics (formerly Invitae), Labcorp
Classification: Uncertain significance for Charcot-Marie-Tooth disease axonal type 2O. Last evaluated: 2021-04-17. Review status: criteria provided, single submitter. Criteria: Invitae Variant Classification Sherloc (09022015). Collection method: clinical testing. Allele origin: germline.
Comment: In summary, the available evidence is currently insufficient to determine the role of this variant in disease. Therefore, it has been classified as a Variant of Uncertain Significance. This variant has not been reported in the literature in individuals with DYNC1H1-related conditions. This variant is not present in population databases (ExAC no frequency). This sequence change creates a premature translational stop signal (p.Arg3870*) in the DYNC1H1 gene. It is expected to result in an absent or disrupted protein product. However, the current clinical and genetic evidence is not sufficient to establish whether loss-of-function variants in DYNC1H1 cause disease.

NM_001376.5(DYNC1H1):c.11608C>T (p.Arg3870Ter)

Gene: DYNC1H1 (dynein cytoplasmic 1 heavy chain 1; plus strand). Cytogenetic location: 14q32.31.
Variant type: single nucleotide variant.
Coding change: c.11608C>T on transcript NM_001376.5 (MANE Select); coding-DNA position 11608, C replaced by T.
Protein change: p.Arg3870Ter; replaces arginine 3870 with a stop codon.
Molecular consequence: nonsense.
Genome position (GRCh38, 1-based): chr14:102,039,650, C>T. VCF-style: chr14-102039650-C-T. GRCh37 (hg19) VCF-style: chr14-102505987-C-T.
Other names: short protein forms R3870*.
Identifiers: ClinVar variation 1388625 (VCV001388625.6), dbSNP rs2152595277, ClinGen allele CA391034930.